The following is an entry in ClinVar:

NM_017654.4(SAMD9):c.664T>A (p.Phe222Ile)

Gene: SAMD9 (sterile alpha motif domain containing 9; minus strand). Cytogenetic location: 7q21.2.
Variant type: single nucleotide variant.
Coding change: c.664T>A on transcript NM_017654.4 (MANE Select); coding-DNA position 664, T replaced by A.
Protein change: p.Phe222Ile; replaces phenylalanine 222 with isoleucine.
Molecular consequence: missense variant.
Genome position (GRCh38, 1-based): chr7:93,105,434, A>T on the plus strand (T>A on the coding strand, the complement: SAMD9 is on the minus strand). VCF-style: chr7-93105434-A-T. GRCh37 (hg19) VCF-style: chr7-92734747-A-T.
Other names: c.664T>A (NM_017654.3); c.664T>A, p.Phe222Ile (NM_001193307.2); short protein forms F222I.
Identifiers: ClinVar variation 1491433 (VCV001491433.12), dbSNP rs201875833, ClinGen allele CA4343096.
Genomic context (GRCh38, chr7:93,105,434, plus strand): 5'-TGTCTTTGACTCCAAAATGAATAGTGCCATTGGTACGTGAATTCATACAAGCTGAAGCAA[A>T]TCGGAAAACCTCATTGCTAAATTTCATCTTGACATCCTCTTCTGTGGCTGTTGCTGTATT-3'
Protein context (NP_060124.2, residues 212-232): KMKFSNEVFR[Phe222Ile]ASACMNSRTN

ClinVar aggregate classification (germline): Uncertain significance. Review status: criteria provided, multiple submitters, no conflicts (2 of 4 stars). 4 submissions from 4 submitters: Uncertain significance (4). Last evaluated 2025-11-24.

Conditions:
Inborn genetic diseases. Identifiers: MedGen C0950123, MeSH D030342.
SAMD9-related disorder. Also called: SAMD9-related condition.

gnomAD v4.1: 26 of 1,613,974 alleles (0.0016%); highest among the groups gnomAD compares: Non-Finnish European, 0.0022%; no homozygotes.

Submissions (4):

Ambry Genetics
Classification: Uncertain significance for Inborn genetic diseases. Last evaluated: 2025-11-24. Review status: criteria provided, single submitter. Criteria: Ambry Variant Classification Scheme 2023. Collection method: clinical testing. Allele origin: germline.

Labcorp Genetics (formerly Invitae), Labcorp
Classification: Uncertain significance. Last evaluated: 2025-07-30. Review status: criteria provided, single submitter. Criteria: Invitae Variant Classification Sherloc (09022015). Collection method: clinical testing. Allele origin: germline.
Comment: This sequence change replaces phenylalanine, which is neutral and non-polar, with isoleucine, which is neutral and non-polar, at codon 222 of the SAMD9 protein (p.Phe222Ile). This variant is present in population databases (rs201875833, gnomAD 0.003%). This variant has not been reported in the literature in individuals affected with SAMD9-related conditions. ClinVar contains an entry for this variant (Variation ID: 1491433). Invitae Evidence Modeling of protein sequence and biophysical properties (such as structural, functional, and spatial information, amino acid conservation, physicochemical variation, residue mobility, and thermodynamic stability) has been performed for this missense variant. However, the output from this modeling did not meet the statistical confidence thresholds required to predict the impact of this variant on SAMD9 protein function. In summary, the available evidence is currently insufficient to determine the role of this variant in disease. Therefore, it has been classified as a Variant of Uncertain Significance.

PreventionGenetics, part of Exact Sciences
Classification: Uncertain significance for SAMD9-related condition. Last evaluated: 2025-07-29. Review status: criteria provided, single submitter. Criteria: ACMG Guidelines, 2015. Collection method: clinical testing. Allele origin: germline.
Comment: The SAMD9 c.664T>A variant is predicted to result in the amino acid substitution p.Phe222Ile. To our knowledge, this variant has not been reported in the literature. This variant is reported in 0.0026% of alleles in individuals of European (Non-Finnish) descent in gnomAD. At this time, the clinical significance of this variant is uncertain due to the absence of conclusive functional and genetic evidence.

GeneDx
Classification: Uncertain significance. Last evaluated: 2024-12-01. Review status: criteria provided, single submitter. Criteria: GeneDx Variant Classification Process June 2021. Collection method: clinical testing. Allele origin: germline.
Comment: Not observed at significant frequency in large population cohorts (gnomAD); In silico analysis supports that this missense variant has a deleterious effect on protein structure/function; Has not been previously published as pathogenic or benign to our knowledge; This variant is associated with the following publications: (PMID: 28545555)